The following is an entry in ClinVar:

NM_006231.4(POLE):c.6093C>T (p.Ser2031=)

Gene: POLE (DNA polymerase epsilon, catalytic subunit; minus strand). Cytogenetic location: 12q24.33.
Variant type: single nucleotide variant.
Coding change: c.6093C>T on transcript NM_006231.4 (MANE Select); coding-DNA position 6093, C replaced by T.
Protein change: p.Ser2031=; no amino-acid change (serine 2031 retained).
Molecular consequence: synonymous variant.
Genome position (GRCh38, 1-based): chr12:132,632,707, G>A on the plus strand (C>T on the coding strand, the complement: POLE is on the minus strand). VCF-style: chr12-132632707-G-A. GRCh37 (hg19) VCF-style: chr12-133209293-G-A.
Identifiers: ClinVar variation 388800 (VCV000388800.11), dbSNP rs934958443, ClinGen allele CA16606124.

ClinVar aggregate classification (germline): Likely benign. Review status: criteria provided, multiple submitters, no conflicts (2 of 4 stars). 3 submissions from 3 submitters: Likely benign (3). Last evaluated 2025-05-11.

Conditions:
Hereditary cancer-predisposing syndrome. Also called: Hereditary Cancer Syndrome; Hereditary neoplastic syndrome; Neoplastic Syndromes, Hereditary; Tumor predisposition. Identifiers: Orphanet 140162, MedGen C0027672, MeSH D009386, MONDO:0015356.

Allele frequency attached by ClinVar (database versions not stated): gnomAD exomes below 0.00001; TOPMed below 0.00001; gnomAD 0.00001.
gnomAD v4.1: 4 of 1,613,768 alleles (0.00025%); highest among the groups gnomAD compares: African/African-American, 0.0027%; no homozygotes.

Submissions (3):

Labcorp Genetics (formerly Invitae), Labcorp
Classification: Likely benign. Last evaluated: 2025-05-11. Review status: criteria provided, single submitter. Criteria: Invitae Variant Classification Sherloc (09022015). Collection method: clinical testing. Allele origin: germline.

Ambry Genetics
Classification: Likely benign for Hereditary cancer-predisposing syndrome. Last evaluated: 2019-01-30. Review status: criteria provided, single submitter. Criteria: Ambry Variant Classification Scheme 2023. Collection method: clinical testing. Allele origin: germline.

GeneDx
Classification: Likely benign. Last evaluated: 2016-08-19. Review status: criteria provided, single submitter. Criteria: GeneDx Variant Classification (06012015). Collection method: clinical testing. Allele origin: germline. Affected: yes.
Comment: This variant is considered likely benign or benign based on one or more of the following criteria: it is a conservative change, it occurs at a poorly conserved position in the protein, it is predicted to be benign by multiple in silico algorithms, and/or has population frequency not consistent with disease.